The following is an entry in ClinVar:

NM_171998.4(RAB39B):c.464G>A (p.Arg155Gln)

Gene: RAB39B (RAB39B, member RAS oncogene family; minus strand). Cytogenetic location: Xq28.
Variant type: single nucleotide variant.
Coding change: c.464G>A on transcript NM_171998.4 (MANE Select); coding-DNA position 464, G replaced by A.
Protein change: p.Arg155Gln; replaces arginine 155 with glutamine.
Molecular consequence: missense variant.
Genome position (GRCh38, 1-based): chrX:155,260,981, C>T on the plus strand (G>A on the coding strand, the complement: RAB39B is on the minus strand). VCF-style: chrX-155260981-C-T. GRCh37 (hg19) VCF-style: chrX-154490266-C-T.
Other names: short protein forms R155Q.
Identifiers: ClinVar variation 3360579 (VCV003360579.2).

ClinVar aggregate classification (germline): Uncertain significance (1 of 4 stars; one submission).

Submission:

GeneDx
Classification: Uncertain significance. Last evaluated: 2025-02-07. Review status: criteria provided, single submitter. Criteria: GeneDx Variant Classification Process June 2021. Collection method: clinical testing. Allele origin: germline.
Comment: Not observed at significant frequency in large population cohorts (gnomAD); In silico analysis supports that this missense variant does not alter protein structure/function; Has not been previously published as pathogenic or benign to our knowledge